The following is an entry in ClinVar:

NM_000260.4(MYO7A):c.1081-3C>T

Gene: MYO7A (myosin VIIA; plus strand). Cytogenetic location: 11q13.5.
Variant type: single nucleotide variant.
Coding change: c.1081-3C>T on transcript NM_000260.4 (MANE Select); 3 bases into the intron before coding-DNA position 1081, C replaced by T.
Molecular consequence: intron variant.
Genome position (GRCh38, 1-based): chr11:77,160,160, C>T. VCF-style: chr11-77160160-C-T. GRCh37 (hg19) VCF-style: chr11-76871206-C-T.
Other names: c.1048-3C>T (NM_001369365.1); c.1081-3C>T (NM_001127180.2).
Identifiers: ClinVar variation 1460742 (VCV001460742.6), dbSNP rs1555067402, ClinGen allele CA600343421.

ClinVar aggregate classification (germline): Uncertain significance (1 of 4 stars; one submission).

gnomAD v4.1: 2 of 1,555,870 alleles (0.00013%); highest among the groups gnomAD compares: South Asian, 0.0012%; no homozygotes.

Submission:

Labcorp Genetics (formerly Invitae), Labcorp
Classification: Uncertain significance. Last evaluated: 2021-07-25. Review status: criteria provided, single submitter. Criteria: Invitae Variant Classification Sherloc (09022015). Collection method: clinical testing. Allele origin: germline.
Comment: In summary, the available evidence is currently insufficient to determine the role of this variant in disease. Therefore, it has been classified as a Variant of Uncertain Significance. Nucleotide substitutions within the consensus splice site are a relatively common cause of aberrant splicing (PMID: 17576681, 9536098). Algorithms developed to predict the effect of sequence changes on RNA splicing suggest that this variant is not likely to affect RNA splicing. This variant has not been reported in the literature in individuals affected with MYO7A-related conditions. This variant is not present in population databases (ExAC no frequency). This sequence change falls in intron 10 of the MYO7A gene. It does not directly change the encoded amino acid sequence of the MYO7A protein. It affects a nucleotide within the consensus splice site of the intron.

Literature cited by the submitters: PubMed 17576681; PubMed 9536098.